The following is an entry in ClinVar:

ClinVar aggregate classification (germline): Likely benign (0 of 4 stars; one submission).

Conditions:
ALDH1A3-related disorder. Also called: ALDH1A3-related condition.

gnomAD v4.1: 24 of 1,611,528 alleles (0.0015%); highest among the groups gnomAD compares: Non-Finnish European, 0.0018%; no homozygotes.

Submission:

PreventionGenetics, part of Exact Sciences
Classification: Likely benign for ALDH1A3-related condition. Last evaluated: 2019-05-28. Review status: no assertion criteria provided. Collection method: clinical testing. Allele origin: germline.
Comment: This variant is classified as likely benign based on ACMG/AMP sequence variant interpretation guidelines (Richards et al. 2015 PMID: 25741868, with internal and published modifications).

NM_000693.4(ALDH1A3):c.1234-5C>G

Genes: ALDH1A3 (aldehyde dehydrogenase 1 family member A3; plus strand), ALDH1A3-AS1 (ALDH1A3 antisense RNA 1; minus strand). Cytogenetic location: 15q26.3.
Variant type: single nucleotide variant.
Coding change: c.1234-5C>G on transcript NM_000693.4 (MANE Select); 5 bases into the intron before coding-DNA position 1234, C replaced by G.
Molecular consequence: intron variant.
Genome position (GRCh38, 1-based): chr15:100,907,116, C>G. VCF-style: chr15-100907116-C-G. GRCh37 (hg19) VCF-style: chr15-101447321-C-G.
Other names: c.913-5C>G (NM_001293815.2).
Identifiers: ClinVar variation 3350442 (VCV003350442.1).